The following is an entry in ClinVar:

ClinVar aggregate classification (germline): Uncertain significance (1 of 4 stars; one submission).

Conditions:
Cardiovascular phenotype. Identifiers: MedGen CN230736.

Allele frequency attached by ClinVar (database versions not stated): gnomAD exomes below 0.00001.
gnomAD v4.1: 2 of 1,610,332 alleles (0.00012%); highest among the groups gnomAD compares: Non-Finnish European, 0.000085%; no homozygotes.

Submission:

Ambry Genetics
Classification: Uncertain significance for Cardiovascular phenotype. Last evaluated: 2023-11-23. Review status: criteria provided, single submitter. Criteria: Ambry Variant Classification Scheme 2023. Collection method: clinical testing. Allele origin: germline.
Comment: The p.S150T variant (also known as c.448T>A), located in coding exon 5 of the CACNB2 gene, results from a T to A substitution at nucleotide position 448. The serine at codon 150 is replaced by threonine, an amino acid with similar properties. This amino acid position is conserved. In addition, the in silico prediction for this alteration is inconclusive. Since supporting evidence is limited at this time, the clinical significance of this alteration remains unclear.

NM_201596.3(CACNB2):c.610T>A (p.Ser204Thr)

Gene: CACNB2 (calcium voltage-gated channel auxiliary subunit beta 2; plus strand). Cytogenetic location: 10p12.31.
Variant type: single nucleotide variant.
Coding change: c.610T>A on transcript NM_201596.3 (MANE Select); coding-DNA position 610, T replaced by A.
Protein change: p.Ser204Thr; replaces serine 204 with threonine.
Molecular consequence: missense variant.
Genome position (GRCh38, 1-based): chr10:18,506,487, T>A. VCF-style: chr10-18506487-T-A. GRCh37 (hg19) VCF-style: chr10-18795416-T-A.
Other names: c.445T>A, p.Ser149Thr (NM_000724.4, NM_001330060.2); c.526T>A, p.Ser176Thr (NM_001167945.2, NM_201571.4, NM_201572.4); c.466T>A, p.Ser156Thr (NM_001410882.1, NM_201570.3); c.448T>A, p.Ser150Thr (NM_201590.3); c.610T>A, p.Ser204Thr (NM_201593.3, NM_201597.3); short protein forms S149T, S150T, S156T, S176T, S204T.
Identifiers: ClinVar variation 3230205 (VCV003230205.1), dbSNP rs2494423068, ClinGen allele CA376059212.